The following is an entry in ClinVar:

NM_017763.6(RNF43):c.933C>T (p.Leu311=)

Gene: RNF43 (ring finger protein 43; minus strand). Cytogenetic location: 17q22.
Variant type: single nucleotide variant.
Coding change: c.933C>T on transcript NM_017763.6 (MANE Select); coding-DNA position 933, C replaced by T.
Protein change: p.Leu311=; no amino-acid change (leucine 311 retained).
Molecular consequence: synonymous variant.
Genome position (GRCh38, 1-based): chr17:58,360,168, G>A on the plus strand (C>T on the coding strand, the complement: RNF43 is on the minus strand). VCF-style: chr17-58360168-G-A. GRCh37 (hg19) VCF-style: chr17-56437529-G-A.
Other names: c.933C>T, p.Leu311= (NM_001305544.3); c.552C>T, p.Leu184= (NM_001305545.2).
Identifiers: ClinVar variation 3789962 (VCV003789962.2).

ClinVar aggregate classification (germline): Benign/Likely benign. Review status: criteria provided, multiple submitters, no conflicts (2 of 4 stars). 2 submissions from 2 submitters: Benign (1); Likely benign (1). Last evaluated 2026-07-01.

Conditions:
Sessile serrated polyposis cancer syndrome (SSPCS). Identifiers: Orphanet 157798, MedGen C4310714, MONDO:0014919, OMIM 617108.

Submissions (2):

Myriad Genetics, Inc.
Classification: Benign for Sessile serrated polyposis cancer syndrome. Last evaluated: 2026-07-01. Review status: criteria provided, single submitter. Criteria: Myriad Autosomal Dominant, Autosomal Recessive and X-Linked Classification Criteria (2023). Collection method: clinical testing. Allele origin: unknown.
Comment: This variant is considered benign. This variant is a silent/synonymous amino acid change and it is not expected to impact splicing.

Ambry Genetics
Classification: Likely benign. Last evaluated: 2025-03-05. Review status: criteria provided, single submitter. Criteria: Ambry Variant Classification Scheme 2023. Collection method: clinical testing. Allele origin: germline.